The following is an entry in ClinVar:

NM_000128.4(F11):c.778T>C (p.Ser260Pro)

Gene: F11 (coagulation factor XI; plus strand). Cytogenetic location: 4q35.2.
Variant type: single nucleotide variant.
Coding change: c.778T>C on transcript NM_000128.4 (MANE Select); coding-DNA position 778, T replaced by C.
Protein change: p.Ser260Pro; replaces serine 260 with proline.
Molecular consequence: missense variant.
Genome position (GRCh38, 1-based): chr4:186,280,034, T>C. VCF-style: chr4-186280034-T-C. GRCh37 (hg19) VCF-style: chr4-187201188-T-C.
Other names: short protein forms S260P.
Identifiers: ClinVar variation 2655217 (VCV002655217.25), dbSNP rs2477323453, ClinGen allele CA358937002.

ClinVar aggregate classification (germline): Uncertain significance. Review status: criteria provided, multiple submitters, no conflicts (2 of 4 stars). 2 submissions from 2 submitters: Uncertain significance (2). Last evaluated 2025-09-03.

Conditions:
F11-related disorder. Also called: F11-related condition.

Submissions (2):

PreventionGenetics, part of Exact Sciences
Classification: Uncertain significance for F11-related condition. Last evaluated: 2025-09-03. Review status: criteria provided, single submitter. Criteria: ACMG Guidelines, 2015. Collection method: clinical testing. Allele origin: germline.
Comment: The F11 c.778T>C variant is predicted to result in the amino acid substitution p.Ser260Pro. To our knowledge, this variant has not been reported in the literature or in a large population database (gnomAD), indicating this variant is rare. At this time, the clinical significance of this variant is uncertain due to the absence of conclusive functional and genetic evidence.

CeGaT Center for Human Genetics Tuebingen
Classification: Uncertain significance. Last evaluated: 2022-07-01. Review status: criteria provided, single submitter. Criteria: CeGaT Center For Human Genetics Tuebingen Variant Classification Criteria Version 2. Collection method: clinical testing. Allele origin: germline. Affected: yes. Observed: 1 variant allele.
Comment: F11: PM2